The following is an entry in ClinVar:

ClinVar aggregate classification (germline): Uncertain significance (1 of 4 stars; one submission).

Conditions:
Familial thoracic aortic aneurysm and aortic dissection (TAAD). Also called: Thoracic aortic aneurysms and dissections. Identifiers: Orphanet 91387, MedGen C4707243, MONDO:0019625.
Hereditary cancer-predisposing syndrome. Also called: Tumor predisposition; Hereditary Cancer Syndrome; Neoplastic Syndromes, Hereditary; Hereditary neoplastic syndrome. Identifiers: Orphanet 140162, MedGen C0027672, MeSH D009386, MONDO:0015356.

Submission:

Ambry Genetics
Classification: Uncertain significance for Hereditary cancer-predisposing syndrome; Familial thoracic aortic aneurysm and aortic dissection. Last evaluated: 2019-11-07. Review status: criteria provided, single submitter. Criteria: Ambry Variant Classification Scheme 2023. Collection method: clinical testing. Allele origin: germline.
Comment: The c.863_864insGAT variant (also known as p.L288_Q289insI), located in coding exon 6 of the SMAD4 gene, results from an in-frame GAT insertion at nucleotide positions 863 to 864. This results in the insertion of an extra isoleucine residue between codons 288 and 289. This amino acid region is highly conserved in available vertebrate species. Since supporting evidence is limited at this time, the clinical significance of this alteration remains unclear.

NM_005359.6(SMAD4):c.863_864insGAT (p.Leu288_Gln289insIle)

Gene: SMAD4 (SMAD family member 4; plus strand). Cytogenetic location: 18q21.2.
Variant type: Insertion.
Coding change: c.863_864insGAT on transcript NM_005359.6 (MANE Select); coding-DNA positions 863 to 864, GAT inserted.
Protein change: p.Leu288_Gln289insIle.
Molecular consequence: inframe insertion.
Genome position: GRCh38 VCF-style: chr18-51058414-C-CTGA. GRCh37 (hg19) VCF-style: chr18-48584784-C-CTGA.
Identifiers: ClinVar variation 822615 (VCV000822615.4), dbSNP rs1599189836, ClinGen allele CA915951533.